The following is an entry in ClinVar:

NM_000038.6(APC):c.2931T>G (p.Gly977=)

Gene: APC (APC regulator of Wnt signaling pathway; plus strand). Cytogenetic location: 5q22.2.
Variant type: single nucleotide variant.
Coding change: c.2931T>G on transcript NM_000038.6 (MANE Select); coding-DNA position 2931, T replaced by G.
Protein change: p.Gly977=; no amino-acid change (glycine 977 retained).
Molecular consequence: synonymous variant.
Genome position (GRCh38, 1-based): chr5:112,838,525, T>G. VCF-style: chr5-112838525-T-G. GRCh37 (hg19) VCF-style: chr5-112174222-T-G.
Other names: c.2931T>G, p.Gly977= (NM_001127510.3, NM_001354895.2); c.2877T>G, p.Gly959= (NM_001127511.3); c.2985T>G, p.Gly995= (NM_001354896.2); c.2961T>G, p.Gly987= (NM_001354897.2); c.2856T>G, p.Gly952= (NM_001354898.2); c.2847T>G, p.Gly949= (NM_001354899.2); c.2808T>G, p.Gly936= (NM_001354900.2); c.2754T>G, p.Gly918= (NM_001354901.2); and 5 more.
Identifiers: ClinVar variation 537683 (VCV000537683.14), dbSNP rs1554084590, ClinGen allele CA445963078.
Genomic context (GRCh38, chr5:112,838,525, plus strand): 5'-GAGATCTTCAAATGATAGTTTAAATAGTGTCAGTAGTAGTGATGGTTATGGTAAAAGAGG[T>G]CAAATGAAACCCTCGATTGAATCCTATTCTGAAGATGATGAAAGTAAGTTTTGCAGTTAT-3'
Protein context (NP_000029.2, residues 967-987): VSSSDGYGKR[Gly977=]QMKPSIESYS

ClinVar aggregate classification (germline): Likely benign. Review status: criteria provided, multiple submitters, no conflicts (2 of 4 stars). 4 submissions from 4 submitters: Likely benign (4). Last evaluated 2025-11-18.

Conditions:
Hereditary cancer-predisposing syndrome. Also called: Tumor predisposition; Hereditary Cancer Syndrome; Hereditary neoplastic syndrome; Neoplastic Syndromes, Hereditary. Identifiers: Orphanet 140162, MedGen C0027672, MeSH D009386, MONDO:0015356.
Classic or attenuated familial adenomatous polyposis. Identifiers: MedGen CN372698, MONDO:0021057.
Familial adenomatous polyposis 1 (FAP1). Also called: FAMILIAL ADENOMATOUS POLYPOSIS 1, ATTENUATED; POLYPOSIS, ADENOMATOUS INTESTINAL. Identifiers: MedGen C2713442, MONDO:0021056, OMIM 175100. Disease mechanism: loss of function.

Submissions (4):

Labcorp Genetics (formerly Invitae), Labcorp
Classification: Likely benign for Familial adenomatous polyposis 1. Last evaluated: 2025-11-18. Review status: criteria provided, single submitter. Criteria: Invitae Variant Classification Sherloc (09022015). Collection method: clinical testing. Allele origin: germline.

All of Us Research Program, National Institutes of Health
Classification: Likely benign for Classic or attenuated familial adenomatous polyposis. Last evaluated: 2024-01-11. Review status: criteria provided, single submitter. Criteria: ACMG Guidelines, 2015. Collection method: clinical testing. Allele origin: germline. Inheritance: Autosomal dominant inheritance. Observed: 1 variant allele, 1 heterozygote.
Comment: This study involves interpretation of variants in research participants for the purpose of population health screening. Participant phenotype was not available at the time of variant classification. Additional details can be found in publication PMID: 35346344, PMCID: PMC8962531

Color Diagnostics, LLC DBA Color Health
Classification: Likely benign for Hereditary cancer-predisposing syndrome. Last evaluated: 2021-12-14. Review status: criteria provided, single submitter. Criteria: ACMG Guidelines, 2015. Collection method: clinical testing. Allele origin: germline.

Ambry Genetics
Classification: Likely benign for Hereditary cancer-predisposing syndrome. Last evaluated: 2021-01-24. Review status: criteria provided, single submitter. Criteria: Ambry Variant Classification Scheme 2023. Collection method: clinical testing. Allele origin: germline.